The following is an entry in ClinVar:

NM_015100.4(POGZ):c.3297G>A (p.Glu1099=)

Gene: POGZ (pogo transposable element derived with ZNF domain; minus strand). Cytogenetic location: 1q21.3.
Variant type: single nucleotide variant.
Coding change: c.3297G>A on transcript NM_015100.4 (MANE Select); coding-DNA position 3297, G replaced by A.
Protein change: p.Glu1099=; no amino-acid change (glutamic acid 1099 retained).
Molecular consequence: synonymous variant.
Genome position (GRCh38, 1-based): chr1:151,405,738, C>T on the plus strand (G>A on the coding strand, the complement: POGZ is on the minus strand). VCF-style: chr1-151405738-C-T. GRCh37 (hg19) VCF-style: chr1-151378214-C-T.
Other names: c.3270G>A, p.Glu1090= (NM_001194937.2); c.3111G>A, p.Glu1037= (NM_001194938.2); c.3012G>A, p.Glu1004= (NM_145796.4); c.3138G>A, p.Glu1046= (NM_207171.2).
Identifiers: ClinVar variation 588795 (VCV000588795.34), dbSNP rs116755407, ClinGen allele CA1090984.

ClinVar aggregate classification (germline): Benign/Likely benign. Review status: criteria provided, multiple submitters, no conflicts (2 of 4 stars). 5 submissions from 5 submitters: Benign (2); Likely benign (3). Last evaluated 2026-08-01.

Conditions:
Intellectual disability-microcephaly-strabismus-behavioral abnormalities syndrome. Also called: White-Sutton Syndrome. Identifiers: Orphanet 468678, MedGen C4225351, MONDO:0014606, OMIM 616364.
Inborn genetic diseases. Identifiers: MedGen C0950123, MeSH D030342.

Allele frequency attached by ClinVar (database versions not stated): 1000 Genomes Project 30x 0.00031; 1000 Genomes Project 0.00040; gnomAD 0.00114 and 0.00123; TOPMed 0.00115; gnomAD exomes 0.00122; ExAC 0.00138; ESP Exome Variant Server 0.00154.
gnomAD v4.1: 3,289 of 1,614,228 alleles (0.2%); highest among the groups gnomAD compares: Non-Finnish European, 0.27%; 8 homozygotes.

Submissions (5):

CeGaT Center for Human Genetics Tuebingen
Classification: Likely benign. Last evaluated: 2026-08-01. Review status: criteria provided, single submitter. Criteria: CeGaT Center For Human Genetics Tuebingen Variant Classification Criteria Version 2. Collection method: clinical testing. Allele origin: germline. Affected: yes. Observed: 16 variant alleles.
Comment: POGZ: BP4, BP7

Genome-Nilou Lab
Classification: Likely benign for Intellectual disability-microcephaly-strabismus-behavioral abnormalities syndrome. Last evaluated: 2023-04-11. Review status: criteria provided, single submitter. Criteria: ACMG Guidelines, 2015. Collection method: clinical testing. Allele origin: germline. Affected: no.

GeneDx
Classification: Benign. Last evaluated: 2020-06-05. Review status: criteria provided, single submitter. Criteria: GeneDx Variant Classification Process June 2021. Collection method: clinical testing. Allele origin: germline. Affected: yes.

Labcorp Genetics (formerly Invitae), Labcorp
Classification: Benign. Last evaluated: 2019-12-31. Review status: criteria provided, single submitter. Criteria: Invitae Variant Classification Sherloc (09022015). Collection method: clinical testing. Allele origin: germline.

Ambry Genetics
Classification: Likely benign for Inborn genetic diseases. Last evaluated: 2017-01-25. Review status: criteria provided, single submitter. Criteria: Ambry Variant Classification Scheme 2023. Collection method: clinical testing. Allele origin: germline.